The following is an entry in ClinVar:

NM_178014.4(TUBB):c.484C>T (p.Arg162Cys)

Gene: TUBB (tubulin beta class I; plus strand). Cytogenetic location: 6p21.33.
Variant type: single nucleotide variant.
Coding change: c.484C>T on transcript NM_178014.4 (MANE Select); coding-DNA position 484, C replaced by T.
Protein change: p.Arg162Cys; replaces arginine 162 with cysteine.
Molecular consequence: missense variant. On other transcripts: intron variant (1).
Genome position (GRCh38, 1-based): chr6:30,723,546, C>T. VCF-style: chr6-30723546-C-T. GRCh37 (hg19) VCF-style: chr6-30691323-C-T.
Other names: c.544C>T, p.Arg182Cys (NM_001293212.2); c.352C>T, p.Arg118Cys (NM_001293214.2); c.268C>T, p.Arg90Cys (NM_001293215.2, NM_001293216.2); c.369+115C>T (NM_001293213.2); short protein forms R118C, R162C, R182C, R90C.
Identifiers: ClinVar variation 2412910 (VCV002412910.40), dbSNP rs2536607423, ClinGen allele CA363146785.
Genomic context (GRCh38, chr6:30,723,546, plus strand): 5'-GGCACAGGCTCTGGAATGGGCACTCTCCTTATCAGCAAGATCCGAGAAGAATACCCTGAT[C>T]GCATCATGAATACCTTCAGTGTGGTGCCTTCACCCAAAGTGTCTGACACCGTGGTCGAGC-3'
Protein context (NP_821133.1, residues 152-172): ISKIREEYPD[Arg162Cys]IMNTFSVVPS

ClinVar aggregate classification (germline): Uncertain significance (1 of 4 stars; one submission).

Submission:

GeneDx
Classification: Uncertain significance. Last evaluated: 2022-10-25. Review status: criteria provided, single submitter. Criteria: GeneDx Variant Classification Process June 2021. Collection method: clinical testing. Allele origin: germline. Affected: yes.
Comment: Not observed at significant frequency in large population cohorts (gnomAD); In silico analysis supports that this missense variant has a deleterious effect on protein structure/function; Has not been previously published as pathogenic or benign to our knowledge